The following is an entry in ClinVar:

NM_002691.4(POLD1):c.2824C>G (p.Pro942Ala)

Gene: POLD1 (DNA polymerase delta 1, catalytic subunit; plus strand). Cytogenetic location: 19q13.33.
Variant type: single nucleotide variant.
Coding change: c.2824C>G on transcript NM_002691.4 (MANE Select); coding-DNA position 2824, C replaced by G.
Protein change: p.Pro942Ala; replaces proline 942 with alanine.
Molecular consequence: missense variant. On other transcripts: non-coding transcript variant (1).
Genome position (GRCh38, 1-based): chr19:50,416,399, C>G. VCF-style: chr19-50416399-C-G. GRCh37 (hg19) VCF-style: chr19-50919656-C-G.
Other names: c.2824C>G, p.Pro942Ala (NM_001256849.1); c.2902C>G, p.Pro968Ala (NM_001308632.1); short protein forms P942A, P968A.
Identifiers: ClinVar variation 517210 (VCV000517210.5), dbSNP rs1203736050, ClinGen allele CA406986191.

ClinVar aggregate classification (germline): Uncertain significance (1 of 4 stars; one submission).

gnomAD v4.1: 1 of 1,549,048 alleles (0.000065%); highest among the groups gnomAD compares: Non-Finnish European, 0.000087%; no homozygotes.

Submission:

Laboratory for Molecular Medicine, Mass General Brigham Personalized Medicine
Classification: Uncertain significance. Last evaluated: 2017-01-12. Review status: criteria provided, single submitter. Criteria: LMM Criteria. Collection method: clinical testing. Allele origin: germline. Observed: 1 variant allele.
Comment: The p.Pro942Ala variant in POLD1 has not been previously reported in individuals with colorectal cancer. Data from large population studies is insufficient to a ssess the frequency of this variant. Computational prediction tools and conserva tion analysis suggest that the p.Pro942Ala variant may impact the protein, thoug h this information is not predictive enough to determine pathogenicity. In summa ry, the clinical significance of the p.Pro942Ala variant is uncertain.